The following is an entry in ClinVar:

ClinVar aggregate classification (germline): Uncertain significance (1 of 4 stars; one submission).

Conditions:
Familial cancer of breast. Also called: BREAST CANCER, FAMILIAL; Hereditary breast cancer; hereditary breast carcinoma. Identifiers: Orphanet 227535, MedGen C0346153, MONDO:0016419, OMIM 114480. Disease mechanism: loss of function.

Submission:

Labcorp Genetics (formerly Invitae), Labcorp
Classification: Uncertain significance for Familial cancer of breast. Last evaluated: 2021-07-17. Review status: criteria provided, single submitter. Criteria: Invitae Variant Classification Sherloc (09022015). Collection method: clinical testing. Allele origin: germline.
Comment: This sequence change replaces glutamine with histidine at codon 150 of the PALB2 protein (p.Gln150His). The glutamine residue is moderately conserved and there is a small physicochemical difference between glutamine and histidine. This variant is not present in population databases (ExAC no frequency). This variant has not been reported in the literature in individuals affected with PALB2-related conditions. Algorithms developed to predict the effect of missense changes on protein structure and function are either unavailable or do not agree on the potential impact of this missense change (SIFT: "Tolerated"; PolyPhen-2: "Possibly Damaging"; Align-GVGD: "Class C0"). In summary, the available evidence is currently insufficient to determine the role of this variant in disease. Therefore, it has been classified as a Variant of Uncertain Significance.

NM_024675.4(PALB2):c.450G>T (p.Gln150His)

Gene: PALB2 (partner and localizer of BRCA2; minus strand). Cytogenetic location: 16p12.2.
Variant type: single nucleotide variant.
Coding change: c.450G>T on transcript NM_024675.4 (MANE Select); coding-DNA position 450, G replaced by T.
Protein change: p.Gln150His; replaces glutamine 150 with histidine.
Molecular consequence: missense variant.
Genome position (GRCh38, 1-based): chr16:23,636,096, C>A on the plus strand (G>T on the coding strand, the complement: PALB2 is on the minus strand). VCF-style: chr16-23636096-C-A. GRCh37 (hg19) VCF-style: chr16-23647417-C-A.
Other names: short protein forms Q150H.
Identifiers: ClinVar variation 1368150 (VCV001368150.9), dbSNP rs2142443097, ClinGen allele CA395137224.